The following continues an entry in ClinVar:

NM_000257.4(MYH7):c.2572C>T (p.Arg858Cys)

ClinVar aggregate classification (germline): Pathogenic/Likely pathogenic. Pathogenic (11); Likely pathogenic (18).

Submissions 7 to 19 of 29:

Color Diagnostics, LLC DBA Color Health
Classification: Pathogenic for Cardiomyopathy. Last evaluated: 2025-07-08. Review status: criteria provided, single submitter. Criteria: ACMG Guidelines, 2015. Collection method: clinical testing. Allele origin: germline.
Comment: This missense variant replaces arginine with cysteine at codon 858 in the neck and hinge (S2) domain of the MYH7 protein. Computational prediction is inconclusive regarding the impact of this variant on protein structure and function. To our knowledge, functional studies have not been reported for this variant. This variant has been reported in more than ten unrelated individuals affected with hypertrophic cardiomyopathy (PMID: 15358028, 16938236, 19149795, 20975235, 24793961, 25086479, 25937619, 27247418, 27532257, 28498465, 28971120, 31513939, 33495597, 34542152, 35653365) and has been shown to segregate with disease in a family study (PMID: 25086479). A different missense variant occurring at the same codon, p.Arg858His (ClinVar variation ID: 177696), is known to be pathogenic, indicating that arginine at this position is important for MYH7 protein function. This variant has been identified in 3/251442 chromosomes in the general population by the Genome Aggregation Database (gnomAD). Based on the available evidence, this variant is classified as Pathogenic.

ARUP Laboratories, Molecular Genetics and Genomics, ARUP Laboratories
Classification: Pathogenic. Last evaluated: 2025-01-22. Review status: criteria provided, single submitter. Criteria: ARUP Molecular Germline Variant Investigation Process 2024. Collection method: clinical testing. Allele origin: germline.
Comment: The MYH7 c.2572C>T; p.Arg858Cys variant (rs2754158, ClinVar Variation ID 164324) is reported in the literature in numerous individuals and families affected with hypertrophic cardiomyopathy including one de novo occurrence (Chiou 2015, Homburger 2016, Park 2022, Robyns 2020, Stava 2022, Zhao 2017). This variant is only observed on three alleles in the Genome Aggregation Database (v2.1.1), indicating it is not a common polymorphism. Computational analyses are uncertain whether this variant is neutral or deleterious (REVEL: 0.63). Based on available information, the c.2572C>T; p.Arg858Cys variant is considered to be pathogenic. References: Chiou et al. Detection of mutations in symptomatic patients with hypertrophic cardiomyopathy in Taiwan. J Cardiol. 2015 Mar;65(3):250-6. PMID: 25086479. Homburger et al. Multidimensional structure-function relationships in human ÃŸ-cardiac myosin from population-scale genetic variation. Proc Natl Acad Sci U S A. 2016 Jun 14;113(24):6701-6. PMID: 27247418. Park et al. A genome-first approach to rare variants in hypertrophic cardiomyopathy genes MYBPC3 and MYH7 in a medical biobank. Hum Mol Genet. 2022 Mar 3;31(5):827-837. PMID: 34542152 Robyns T et al. Clinical and ECG variables to predict the outcome of genetic testing in hypertrophic cardiomyopathy. Eur J Med Genet. 2020 Mar;63(3):103754. PMID: 31513939. Stava TT et al. Molecular genetics in 4408 cardiomyopathy probands and 3008 relatives in Norway: 17 years of genetic testing in a national laboratory. Eur J Prev Cardiol. 2022 Oct 18;29(13):1789-1799. PMID: 35653365. Zhao et al. Identification of a novel hypertrophic cardiomyopathy-associated mutation using targeted next-generation sequencing. Int J Mol Med. 2017 Jul;40(1):121-129. PMID: 28498465

All of Us Research Program, National Institutes of Health
Classification: Pathogenic for Hypertrophic cardiomyopathy. Last evaluated: 2024-09-25. Review status: criteria provided, single submitter. Criteria: ACMG Guidelines, 2015. Collection method: clinical testing. Allele origin: germline. Inheritance: Autosomal dominant inheritance. Observed: 7 variant alleles, 7 heterozygotes.
Comment: The c.2572C>T (p.Arg858Cys) variant in MYH7 gene has been identified in several unrelated individuals (>15) affected with hypertrophic cardiomyopathy (HCM) and segregated with disease in at least eight affected individuals from two families (PMID:25086479, 15358028, 16938236, 19149795, 20975235, 24793961, 25937619, 27247418, 27532257, 28498465, 28971120, 31513939). This variant has also been reported as de novo in an individual with HCM (PMID: 28498465). This variant lies in the established functional domain (amino acids 167-931) of the MYH7 protein and missense variants in this region are statistically more likely to be disease-associated (PMID: 27532257, 27247418). This variant is found to be rare (20/1614080; 0.0001239%) in the general population database, gnomAD (v4.1.0) and interpreted as likely pathogenic/pathogenic by several submitters in the ClinVar database (ClinVar ID:164324). Other missense variants at the same position, p.Arg858Pro and p.Arg858His, have been reported in multiple individuals with clinical features of HCM and classified as likely pathogenic by several ClinVar submitters (ClinVar ID: 520277, 177696). Therefore, the c.2572C>T (p.Arg858Cys) variant in the MYH7 gene is classified as pathogenic.

This study involves interpretation of variants in research participants for the purpose of population health screening. Participant phenotype was not available at the time of variant classification. Additional details can be found in publication PMID: 35346344, PMCID: PMC8962531

Institute of Immunology and Genetics Kaiserslautern
Classification: Pathogenic for Hypertrophic cardiomyopathy 1; Myosin storage myopathy; MYH7-related skeletal myopathy. Last evaluated: 2024-09-03. Review status: criteria provided, single submitter. Criteria: ACMG Guidelines, 2015. Collection method: clinical testing. Allele origin: germline. Affected: yes.
Comment: ACMG Criteria: PS4, PM2_P, PM1, PM5, PM6, PP1, PP5; Variant was found in heterozygous state

Molecular Diagnostic Laboratory for Inherited Cardiovascular Disease, Montreal Heart Institute
Classification: Pathogenic for Cardiovascular phenotype. Last evaluated: 2024-04-11. Review status: criteria provided, single submitter. Criteria: ACMG Guidelines, 2015. Collection method: clinical testing. Allele origin: germline. Affected: yes.
Comment: PS4; PM1, PM2, PM5, PM6, PP3

Laboratory for Molecular Medicine, Mass General Brigham Personalized Medicine
Classification: Pathogenic for Hypertrophic cardiomyopathy. Last evaluated: 2024-04-02. Review status: criteria provided, single submitter. Criteria: ACMG Guidelines, 2015. Collection method: clinical testing. Allele origin: germline.
Comment: The p.Arg858Cys variant in MYH7 has been reported in at least 15 heterozygous individuals with hypertrophic cardiomyopathy (HCM; Ven Driest 2004 PMID: 15358028, Mora 2006 PMID: 16938236, Uchiyama 2009 PMID: 19149795, Funada 2010 PMID: 20975235, Bick 2012 PMID: 22958901, Marsiglia 2013 PMID: 24093860, Berge 2014 PMID: 24111713, Bos 2014 PMID: 24793961, Li 2015 PMID: 26187847, Chiou 2015 PMID: 25086479, Walsh 2017 PMID: 27532257, Robyns 2020 PMID: 31513939) and reportedly occurred as a de novo variant in 1 individual with HCM (Zhao 2017 PMID: 28498465). It has also segregated with disease in at least 6 affected relatives from 1 family (Chiou 2015 PMID: 25086479). This variant has also been reported by other clinical laboratories in ClinVar (Variation ID 164324) and in 0.003% (2/60008) of Admixed American chromosomes by gnomAD (v.4.0.0). Computational prediction tools and conservation analyses do not provide strong support for or against an impact to the protein. This variant lies in the head region of the protein and missense variants in this region are statistically more likely to be disease-associated (Walsh 2016 PMID: 27532257). In summary, this variant meets criteria to be classified as pathogenic for autosomal dominant HCM. ACMG/AMP Criteria applied: PS4, PP1_Moderate, PM1, PM2_supporting, PM6_supporting.

Baylor Genetics
Classification: Likely pathogenic for Myosin storage myopathy. Last evaluated: 2023-08-30. Review status: criteria provided, single submitter. Criteria: ACMG Guidelines, 2015. Collection method: clinical testing. Allele origin: unknown.

Baylor Genetics
Classification: Likely pathogenic for Hypertrophic cardiomyopathy 1. Last evaluated: 2023-08-30. Review status: criteria provided, single submitter. Criteria: ACMG Guidelines, 2015. Collection method: clinical testing. Allele origin: unknown.

Baylor Genetics
Classification: Likely pathogenic for Dilated cardiomyopathy 1S. Last evaluated: 2023-08-30. Review status: criteria provided, single submitter. Criteria: ACMG Guidelines, 2015. Collection method: clinical testing. Allele origin: unknown.

Baylor Genetics
Classification: Likely pathogenic for Myopathy, myosin storage, autosomal recessive. Last evaluated: 2023-08-30. Review status: criteria provided, single submitter. Criteria: ACMG Guidelines, 2015. Collection method: clinical testing. Allele origin: unknown.

Baylor Genetics
Classification: Likely pathogenic for MYH7-related skeletal myopathy. Last evaluated: 2023-08-30. Review status: criteria provided, single submitter. Criteria: ACMG Guidelines, 2015. Collection method: clinical testing. Allele origin: unknown.

New York Genome Center
Classification: Likely pathogenic for Dilated cardiomyopathy 1S; Hypertrophic cardiomyopathy 1. Last evaluated: 2023-06-14. Review status: criteria provided, single submitter. Criteria: NYGC Assertion Criteria 2020. Collection method: clinical testing. Allele origin: germline. Affected: yes. Observed: 1 heterozygote.
Comment: The c.2572C>T p.(Arg858Cys) variant in MYH7 has previously been reported in multiple individuals with hypertrophic cardiomyopathy in heterozygous state (PMID: 15358028, 16938236, 19149795, 24093860, 20975235, 28498465, 34542152, 35653365), and has been deposited in ClinVar database as Pathogenic/Likely Pathogenic by multiple independent laboratories [ClinVar ID: 164324]. The c.2572C>T variant is observed in 14 alleles (~0.0023% minor allele frequency with 0 homozygotes) in population databases (gnomAD v2.1.1 and v3.1.2, TOPMed Freeze 8), suggesting it is not a common benign variant in the populations represented in those databases. The c.2572C>T variant in MYH7 is located in exon 22 of this 40-exon gene and predicted to replace a moderately conserved arginine amino acid with cysteine at position 858 in the coiled coil domain (839-1935aa; Uniprot ID: P12883) of the encoded protein. In silico predictions are favor of damaging effect for the p.(Arg858Cys) variant [REVEL = 0.631]; however, there are no functional studies to support or refute these predictions. Another missense substitution affecting the same protein residue c.2573G>C, p.(Arg858Pro) has been reported in the literature [PMID: 27247418, 27532257] and in ClinVar [ClinVar ID: 520277] in individuals with hypertrophic cardiomyopathy. Based on available evidence this c.2572C>T, p.(Arg858Cys) variant identified in MYH7 is classified as Likely Pathogenic

Blueprint Genetics
Classification: Pathogenic for MYH7-related disorders. Last evaluated: 2022-05-24. Review status: criteria provided, single submitter. Criteria: ACMG Guidelines, 2015. Collection method: clinical testing. Allele origin: germline. Affected: yes. Observed: 3 variant alleles.